The following is an entry in ClinVar:

ClinVar aggregate classification (germline): Pathogenic (1 of 4 stars; one submission).

Conditions:
Mitochondrial DNA depletion syndrome 1. Also called: POLIP SYNDROME; POLYNEUROPATHY, OPHTHALMOPLEGIA, LEUKOENCEPHALOPATHY, AND INTESTINAL PSEUDOOBSTRUCTION; Mitochondrial Neurogastrointestinal Encephalopathy Disease; MITOCHONDRIAL NEUROGASTROINTESTINAL ENCEPHALOPATHY SYNDROME, TYMP-RELATED; MNGIE, TYMP-RELATED; Mitochondrial neurogastrointestinal encephalomyopathy syndrome. Identifiers: Orphanet 298, MedGen C4551995, MONDO:0011283, OMIM 603041.

Submission:

Myriad Genetics, Inc.
Classification: Pathogenic for Mitochondrial DNA depletion syndrome 1. Last evaluated: 2026-03-19. Review status: criteria provided, single submitter. Criteria: Myriad Autosomal Dominant, Autosomal Recessive and X-Linked Classification Criteria (2023). Collection method: clinical testing. Allele origin: unknown.
Comment: NM_001953.4(TYMP):c.260_261ins11(E87Dfs*5) is expected to be pathogenic in the context of mitochondrial neurogastrointestinal encephalopathy disease. This variant is predicted to lead to an abnormal or absent protein product due to the creation of a premature termination codon in TYMP, a gene where loss-of-function variants are known to be pathogenic. Please note: this variant was assessed in the context of healthy population screening.

NM_001953.5(TYMP):c.260_261insCTCCTGCTGCT (p.Glu87fs)

Genes: TYMP (thymidine phosphorylase; minus strand), LOC130067864 (ATAC-STARR-seq lymphoblastoid active region 19325; plus strand). Cytogenetic location: 22q13.33.
Variant type: Insertion.
Coding change: c.260_261insCTCCTGCTGCT on transcript NM_001953.5 (MANE Select); coding-DNA positions 260 to 261, CTCCTGCTGCT inserted.
Protein change: p.Glu87fs; shifts the reading frame from glutamic acid 87.
Molecular consequence: frameshift variant.
Genome position: GRCh38 VCF-style: chr22-50529292-C-CAGCAGCAGGAG. GRCh37 (hg19) VCF-style: chr22-50967721-C-CAGCAGCAGGAG.
Other names: c.260_261insCTCCTGCTGCT, p.Glu87fs (NM_001113755.3, NM_001113756.3, NM_001257988.1 and 1 more transcripts); short protein forms E87fs.
Identifiers: ClinVar variation 5016343 (VCV005016343.1).